The following is an entry in ClinVar:

ClinVar aggregate classification (germline): Uncertain significance (1 of 4 stars; one submission).

Conditions:
Primary ciliary dyskinesia. Also called: Ciliary dyskinesia. Identifiers: Orphanet 244, MedGen C0008780, MONDO:0016575, HP:0012265.

Submission:

Labcorp Genetics (formerly Invitae), Labcorp
Classification: Uncertain significance for Primary ciliary dyskinesia. Last evaluated: 2022-09-07. Review status: criteria provided, single submitter. Criteria: Invitae Variant Classification Sherloc (09022015). Collection method: clinical testing. Allele origin: germline.
Comment: This sequence change replaces valine, which is neutral and non-polar, with leucine, which is neutral and non-polar, at codon 344 of the DNAAF2 protein (p.Val344Leu). In summary, the available evidence is currently insufficient to determine the role of this variant in disease. Therefore, it has been classified as a Variant of Uncertain Significance. Algorithms developed to predict the effect of missense changes on protein structure and function (SIFT, PolyPhen-2, Align-GVGD) all suggest that this variant is likely to be tolerated. ClinVar contains an entry for this variant (Variation ID: 1362838). This variant has not been reported in the literature in individuals affected with DNAAF2-related conditions. This variant is not present in population databases (gnomAD no frequency).

NM_018139.3(DNAAF2):c.1030G>C (p.Val344Leu)

Gene: DNAAF2 (dynein axonemal assembly factor 2; minus strand). Cytogenetic location: 14q21.3.
Variant type: single nucleotide variant.
Coding change: c.1030G>C on transcript NM_018139.3 (MANE Select); coding-DNA position 1030, G replaced by C.
Protein change: p.Val344Leu; replaces valine 344 with leucine.
Molecular consequence: missense variant.
Genome position (GRCh38, 1-based): chr14:49,634,120, C>G on the plus strand (G>C on the coding strand, the complement: DNAAF2 is on the minus strand). VCF-style: chr14-49634120-C-G. GRCh37 (hg19) VCF-style: chr14-50100838-C-G.
Other names: c.1030G>C, p.Val344Leu (NM_001083908.2); short protein forms V344L.
Identifiers: ClinVar variation 1362838 (VCV001362838.8), dbSNP rs769244195, ClinGen allele CA389629750.